The following is an entry in ClinVar:

ClinVar aggregate classification (germline): Likely benign. Review status: criteria provided, multiple submitters, no conflicts (2 of 4 stars). 2 submissions from 2 submitters: Likely benign (2). Last evaluated 2018-01-13.

Conditions:
Noonan syndrome 6 (NS6). Also called: NRAS-Related Noonan Syndrome. Identifiers: Orphanet 648, MedGen C2750732, MONDO:0013186, OMIM 613224.

Allele frequency attached by ClinVar (database versions not stated): 1000 Genomes Project 30x 0.01171; 1000 Genomes Project 0.01218; gnomAD 0.01306 and 0.01360; TOPMed 0.01457.

Submissions (2):

Illumina Laboratory Services, Illumina
Classification: Likely benign for Noonan syndrome 6. Last evaluated: 2018-01-13. Review status: criteria provided, single submitter. Criteria: ICSL Variant Classification Criteria 13 December 2019. Collection method: clinical testing. Allele origin: germline.
Comment: This variant was observed in the ICSL laboratory as part of a predisposition screen in an ostensibly healthy population. It had not been previously curated by ICSL or reported in the Human Gene Mutation Database (HGMD: prior to June 1st, 2018), and was therefore a candidate for classification through an automated scoring system. Utilizing variant allele frequency, disease prevalence and penetrance estimates, and inheritance mode, an automated score was calculated to assess if this variant is too frequent to cause the disease. Based on the score and internal cut-off values, a variant classified as likely benign is not then subjected to further curation. The score for this variant resulted in a classification of likely benign for this disease.

Breakthrough Genomics
Classification: Likely benign. Review status: criteria provided, single submitter. Criteria: ACMG Guidelines, 2015. Collection method: not provided. Allele origin: germline. Inheritance: Autosomal dominant inheritance. Affected: yes.

NM_002524.5(NRAS):c.*416A>C

Gene: NRAS (NRAS proto-oncogene, GTPase; minus strand). Cytogenetic location: 1p13.2.
Variant type: single nucleotide variant.
Coding change: c.*416A>C on transcript NM_002524.5 (MANE Select); 416 bases downstream of the stop codon, A replaced by C.
Molecular consequence: 3 prime UTR variant.
Genome position (GRCh38, 1-based): chr1:114,707,678, T>G on the plus strand (A>C on the coding strand, the complement: NRAS is on the minus strand). VCF-style: chr1-114707678-T-G. GRCh37 (hg19) VCF-style: chr1-115250299-T-G.
Identifiers: ClinVar variation 291972 (VCV000291972.6), dbSNP rs9724643, ClinGen allele CA10607490.
Genomic context (GRCh38, chr1:114,707,678, plus strand): 5'-TTGGCAAAACAGTAATTTATGACATTTCTCCAAAAATTAGCATAGTTCTAAGTTCAACAG[T>G]AAAAAGAAAAAAAAAATCACCAGCAGTTGCTACTTTAGAGCTCAAGACACTGTTTTCAAT-3'